The following is an entry in ClinVar:

ClinVar aggregate classification (germline): Likely benign. Review status: criteria provided, multiple submitters, no conflicts (2 of 4 stars). 2 submissions from 2 submitters: Likely benign (2). Last evaluated 2026-01-26.

Conditions:
Combined oxidative phosphorylation deficiency. Identifiers: MedGen C4540031, MONDO:0000732.
Charcot-Marie-Tooth Neuropathy X. Identifiers: MedGen CN118851.
AIFM1-related disorder. Also called: AIFM1-related condition.

Allele frequency attached by ClinVar (database versions not stated): ExAC 0.00002; gnomAD exomes 0.00002 and 0.00005; TOPMed 0.00002; ESP Exome Variant Server 0.00009.
gnomAD v4.1: 55 of 1,211,972 alleles (0.0045%); highest among the groups gnomAD compares: Non-Finnish European, 0.0054%; no homozygotes.

Submissions (2):

Labcorp Genetics (formerly Invitae), Labcorp
Classification: Likely benign for Charcot-Marie-Tooth Neuropathy X; Combined oxidative phosphorylation deficiency. Last evaluated: 2026-01-26. Review status: criteria provided, single submitter. Criteria: Invitae Variant Classification Sherloc (09022015). Collection method: clinical testing. Allele origin: germline.

PreventionGenetics, part of Exact Sciences
Classification: Likely benign for AIFM1-related condition. Last evaluated: 2025-08-06. Review status: criteria provided, single submitter. Criteria: ACMG Guidelines, 2015. Collection method: clinical testing. Allele origin: germline.
Comment: This variant is classified as likely benign based on ACMG/AMP sequence variant interpretation guidelines (Richards et al. 2015 PMID: 25741868, with internal and published modifications).

NM_004208.4(AIFM1):c.507G>A (p.Pro169=)

Genes: AIFM1 (apoptosis inducing factor mitochondria associated 1; minus strand), RAB33A (RAB33A, member RAS oncogene family; plus strand). Cytogenetic location: Xq26.1.
Variant type: single nucleotide variant.
Coding change: c.507G>A on transcript NM_004208.4 (MANE Select); coding-DNA position 507, G replaced by A.
Protein change: p.Pro169=; no amino-acid change (proline 169 retained).
Molecular consequence: synonymous variant. On other transcripts: non-coding transcript variant (1).
Genome position (GRCh38, 1-based): chrX:130,147,591, C>T on the plus strand (G>A on the coding strand, the complement: AIFM1 is on the minus strand). VCF-style: chrX-130147591-C-T. GRCh37 (hg19) VCF-style: chrX-129281566-C-T.
Other names: c.507G>A (NM_004208.3); c.507G>A, p.Pro169= (NM_001130847.4); c.495G>A, p.Pro165= (NM_145812.3).
Identifiers: ClinVar variation 1592132 (VCV001592132.9), dbSNP rs372563704, ClinGen allele CA10515442.
Genomic context (GRCh38, chrX:130,147,591, plus strand): 5'-CTTTGTGACATTTGGGTCATCTGAAAACCACAGTTCTTTTGAAAGAGGAGGTCGCATGTA[C>T]GGCAGCTCAGGATCTTCAGATACAATCAGTACCTTCAGACATAAAAATCATGACGCTTAT-3'
Protein context (NP_004199.1, residues 159-179): VLIVSEDPEL[Pro169=]YMRPPLSKEL